The following is an entry in ClinVar:

NM_025114.4(CEP290):c.34A>G (p.Lys12Glu)

Gene: CEP290 (centrosomal protein 290; minus strand). Cytogenetic location: 12q21.32.
Variant type: single nucleotide variant.
Coding change: c.34A>G on transcript NM_025114.4 (MANE Select); coding-DNA position 34, A replaced by G.
Protein change: p.Lys12Glu; replaces lysine 12 with glutamic acid.
Molecular consequence: missense variant.
Genome position (GRCh38, 1-based): chr12:88,141,274, T>C on the plus strand (A>G on the coding strand, the complement: CEP290 is on the minus strand). VCF-style: chr12-88141274-T-C. GRCh37 (hg19) VCF-style: chr12-88535051-T-C.
Other names: short protein forms K12E.
Identifiers: ClinVar variation 4992178 (VCV004992178.1).

ClinVar aggregate classification (germline): Uncertain significance (1 of 4 stars; one submission).

Conditions:
CEP290-related disorder. Also called: CEP290-related condition; CEP290-related disorders. Identifiers: MedGen CN239314.

Submission:

PreventionGenetics, part of Exact Sciences
Classification: Uncertain significance for CEP290-related condition. Last evaluated: 2026-08-25. Review status: criteria provided, single submitter. Criteria: ACMG Guidelines, 2015. Collection method: clinical testing. Allele origin: germline.
Comment: The CEP290 c.34A>G variant is predicted to result in the amino acid substitution p.Lys12Glu. To our knowledge, this variant has not been reported in the literature or in a large population database (gnomAD), indicating this variant is rare. At this time, the clinical significance of this variant is uncertain due to the absence of conclusive functional and genetic evidence.